The following is an entry in ClinVar:

ClinVar aggregate classification (germline): Uncertain significance (1 of 4 stars; one submission).

Conditions:
Focal segmental glomerulosclerosis 5 (FSGS5). Identifiers: Orphanet 656, MedGen C2750475, MONDO:0013191, OMIM 613237.
Charcot-Marie-Tooth disease dominant intermediate E. Also called: CHARCOT-MARIE-TOOTH NEUROPATHY WITH FOCAL SEGMENTAL GLOMERULONEPHRITIS. Identifiers: Orphanet 93114, MedGen C4302667, MONDO:0013758, OMIM 614455.

Submission:

Labcorp Genetics (formerly Invitae), Labcorp
Classification: Uncertain significance for Charcot-Marie-Tooth disease dominant intermediate E; Focal segmental glomerulosclerosis 5. Last evaluated: 2025-08-04. Review status: criteria provided, single submitter. Criteria: Invitae Variant Classification Sherloc (09022015). Collection method: clinical testing. Allele origin: germline.
Comment: This sequence change replaces glutamic acid, which is acidic and polar, with glutamine, which is neutral and polar, at codon 336 of the INF2 protein (p.Glu336Gln). This variant is not present in population databases (gnomAD no frequency). This variant has not been reported in the literature in individuals affected with INF2-related conditions. Invitae Evidence Modeling of protein sequence and biophysical properties (such as structural, functional, and spatial information, amino acid conservation, physicochemical variation, residue mobility, and thermodynamic stability) has been performed for this missense variant. However, the output from this modeling did not meet the statistical confidence thresholds required to predict the impact of this variant on INF2 protein function. In summary, the available evidence is currently insufficient to determine the role of this variant in disease. Therefore, it has been classified as a Variant of Uncertain Significance.

NM_022489.4(INF2):c.1006G>C (p.Glu336Gln)

Gene: INF2 (inverted formin 2; plus strand). Cytogenetic location: 14q32.33.
Variant type: single nucleotide variant.
Coding change: c.1006G>C on transcript NM_022489.4 (MANE Select); coding-DNA position 1006, G replaced by C.
Protein change: p.Glu336Gln; replaces glutamic acid 336 with glutamine.
Molecular consequence: missense variant. On other transcripts: non-coding transcript variant (1).
Genome position (GRCh38, 1-based): chr14:104,707,273, G>C. VCF-style: chr14-104707273-G-C. GRCh37 (hg19) VCF-style: chr14-105173610-G-C.
Other names: c.1006G>C, p.Glu336Gln (NM_001031714.4, NM_001426862.1, NM_001426863.1 and 2 more transcripts); short protein forms E336Q.
Identifiers: ClinVar variation 4789552 (VCV004789552.1).